The following is an entry in ClinVar:

NM_133497.4(KCNV2):c.201G>T (p.Trp67Cys)

Gene: KCNV2 (potassium voltage-gated channel modifier subfamily V member 2; plus strand). Cytogenetic location: 9p24.2.
Variant type: single nucleotide variant.
Coding change: c.201G>T on transcript NM_133497.4 (MANE Select); coding-DNA position 201, G replaced by T.
Protein change: p.Trp67Cys; replaces tryptophan 67 with cysteine.
Molecular consequence: missense variant.
Genome position (GRCh38, 1-based): chr9:2,717,940, G>T. VCF-style: chr9-2717940-G-T. GRCh37 (hg19) VCF-style: chr9-2717940-G-T.
Other names: short protein forms W67C.
Identifiers: ClinVar variation 972424 (VCV000972424.8), dbSNP rs771193813, ClinGen allele CA4965365.

ClinVar aggregate classification (germline): Conflicting classifications of pathogenicity. Review status: criteria provided, conflicting classifications (1 of 4 stars). 2 submissions from 2 submitters: Uncertain significance (1); Likely benign (1). Last evaluated 2023-04-18.

Conditions:
Inborn genetic diseases. Identifiers: MedGen C0950123, MeSH D030342.

Allele frequency attached by ClinVar (database versions not stated): gnomAD 0.00003 and 0.00004; ExAC 0.00004; TOPMed 0.00004; gnomAD exomes 0.00005.
gnomAD v4.1: 20 of 1,613,948 alleles (0.0012%); highest among the groups gnomAD compares: East Asian, 0.04%; no homozygotes.

Submissions (2):

Ambry Genetics
Classification: Likely benign for Inborn genetic diseases. Last evaluated: 2023-04-18. Review status: criteria provided, single submitter. Criteria: Ambry Variant Classification Scheme 2023. Collection method: clinical testing. Allele origin: germline.

Labcorp Genetics (formerly Invitae), Labcorp
Classification: Uncertain significance. Last evaluated: 2021-08-30. Review status: criteria provided, single submitter. Criteria: Invitae Variant Classification Sherloc (09022015). Collection method: clinical testing. Allele origin: germline.
Comment: This sequence change replaces tryptophan with cysteine at codon 67 of the KCNV2 protein (p.Trp67Cys). The tryptophan residue is moderately conserved and there is a large physicochemical difference between tryptophan and cysteine. This variant is present in population databases (rs771193813, ExAC 0.06%). This variant has not been reported in the literature in individuals affected with KCNV2-related conditions. Algorithms developed to predict the effect of missense changes on protein structure and function output the following: SIFT: "Tolerated"; PolyPhen-2: "Possibly Damaging"; Align-GVGD: "Class C0". The cysteine amino acid residue is found in multiple mammalian species, which suggests that this missense change does not adversely affect protein function. Algorithms developed to predict the effect of sequence changes on RNA splicing suggest that this variant may create or strengthen a splice site. In summary, the available evidence is currently insufficient to determine the role of this variant in disease. Therefore, it has been classified as a Variant of Uncertain Significance.